The following is an entry in ClinVar:

ClinVar aggregate classification (germline): Uncertain significance (1 of 4 stars; one submission).

Submission:

Labcorp Genetics (formerly Invitae), Labcorp
Classification: Uncertain significance. Last evaluated: 2025-12-30. Review status: criteria provided, single submitter. Criteria: Invitae Variant Classification Sherloc (09022015). Collection method: clinical testing. Allele origin: germline.
Comment: This variant, c.4969_4995dup, results in the insertion of 9 amino acid(s) of the CASZ1 protein (p.Pro1657_Ala1665dup), but otherwise preserves the integrity of the reading frame. The frequency data for this variant in the population databases is considered unreliable, as metrics indicate poor data quality at this position in the gnomAD database. This variant has not been reported in the literature in individuals affected with CASZ1-related conditions. In summary, the available evidence is currently insufficient to determine the role of this variant in disease. Therefore, it has been classified as a Variant of Uncertain Significance.

NM_001079843.3(CASZ1):c.4969_4995dup (p.Ala1665_Ala1666insProGlyProArgGluGlyAlaAlaAla)

Gene: CASZ1 (castor zinc finger 1; minus strand). Cytogenetic location: 1p36.22.
Variant type: Duplication.
Coding change: c.4969_4995dup on transcript NM_001079843.3 (MANE Select); coding-DNA positions 4969 to 4995, 27 bases duplicated (CCCGGGCCGCGCGAGGGCGCCGCCGCC).
Protein change: p.Ala1665_Ala1666insProGlyProArgGluGlyAlaAlaAla.
Molecular consequence: inframe insertion.
Genome position (GRCh38, 1-based): chr1:10,639,227-10,639,253, GGCGGCGGCGCCCTCGCGCGGCCCGGG duplicated on the plus strand (CCCGGGCCGCGCGAGGGCGCCGCCGCC on the coding strand, the reverse complement: CASZ1 is on the minus strand); duplicating any 27 consecutive bases within chr1:10,639,227-10,639,263 gives the same sequence; the c. name uses the placement nearest the transcript's 3' end. VCF-style (leftmost placement, unchanged base first): chr1-10639226-C-CGGCGGCGGCGCCCTCGCGCGGCCCGGG. GRCh37 (hg19) VCF-style: chr1-10699283-C-CGGCGGCGGCGCCCTCGCGCGGCCCGGG.
Identifiers: ClinVar variation 4706105 (VCV004706105.1).